The following is an entry in ClinVar:

NM_004859.4(CLTC):c.3683C>T (p.Ala1228Val)

Gene: CLTC (clathrin heavy chain; plus strand). Cytogenetic location: 17q23.1.
Variant type: single nucleotide variant.
Coding change: c.3683C>T on transcript NM_004859.4 (MANE Select); coding-DNA position 3683, C replaced by T.
Protein change: p.Ala1228Val; replaces alanine 1228 with valine.
Molecular consequence: missense variant.
Genome position (GRCh38, 1-based): chr17:59,682,711, C>T. VCF-style: chr17-59682711-C-T. GRCh37 (hg19) VCF-style: chr17-57760072-C-T.
Other names: c.3695C>T, p.Ala1232Val (NM_001288653.2); short protein forms A1228V, A1232V.
Identifiers: ClinVar variation 2630889 (VCV002630889.1), dbSNP rs2509153539, ClinGen allele CA400418389.

ClinVar aggregate classification (germline): Uncertain significance (1 of 4 stars; one submission).

Conditions:
CLTC-related disorder. Also called: CLTC-related condition.

Submission:

PreventionGenetics, part of Exact Sciences
Classification: Uncertain significance for CLTC-related condition. Last evaluated: 2023-09-25. Review status: criteria provided, single submitter. Criteria: ACMG Guidelines, 2015. Collection method: clinical testing. Allele origin: germline.
Comment: The CLTC c.3695C>T variant is predicted to result in the amino acid substitution p.Ala1232Val. To our knowledge, this variant has not been reported in the literature or in a large population database, indicating this variant is rare. At this time, the clinical significance of this variant is uncertain due to the absence of conclusive functional and genetic evidence.